The following is an entry in ClinVar:

ClinVar aggregate classification (germline): Pathogenic. Review status: criteria provided, multiple submitters, no conflicts (2 of 4 stars). 3 submissions from 3 submitters: Pathogenic (3). Last evaluated 2024-11-13.

Submissions (3):

GeneDx
Classification: Pathogenic. Last evaluated: 2024-11-13. Review status: criteria provided, single submitter. Criteria: GeneDx Variant Classification Process June 2021. Collection method: clinical testing. Allele origin: germline. Affected: yes.
Comment: Reported in a rare disease patient referred for clinical whole genome sequencing; however, clinical information was not provided (PMID: 33726816); Nonsense variant predicted to result in protein truncation or nonsense mediated decay in a gene for which loss of function is a known mechanism of disease; Not observed at significant frequency in large population cohorts (gnomAD); This variant is associated with the following publications: (PMID: 33726816)

Institute of Medical Genetics and Applied Genomics, University Hospital Tübingen
Classification: Pathogenic. Last evaluated: 2020-10-23. Review status: criteria provided, single submitter. Criteria: ACMG Guidelines, 2015. Collection method: clinical testing. Allele origin: germline. Inheritance: Autosomal dominant inheritance. Affected: yes.

Clinical Genetics and Genomics, Karolinska University Hospital
Classification: Pathogenic. Last evaluated: 2018-04-25. Review status: criteria provided, single submitter. Criteria: ACMG Guidelines, 2015. Collection method: clinical testing. Allele origin: germline. Affected: yes. Observed: 2 variant alleles.

NM_001145358.2(SIN3A):c.1609C>T (p.Arg537Ter)

Gene: SIN3A (SIN3 transcription regulator family member A; minus strand). Cytogenetic location: 15q24.2.
Variant type: single nucleotide variant.
Coding change: c.1609C>T on transcript NM_001145358.2 (MANE Select); coding-DNA position 1609, C replaced by T.
Protein change: p.Arg537Ter; replaces arginine 537 with a stop codon.
Molecular consequence: nonsense.
Genome position (GRCh38, 1-based): chr15:75,400,858, G>A on the plus strand (C>T on the coding strand, the complement: SIN3A is on the minus strand). VCF-style: chr15-75400858-G-A. GRCh37 (hg19) VCF-style: chr15-75693199-G-A.
Other names: c.1609C>T, p.Arg537Ter (NM_001145357.2, NM_015477.3); c.1609C>T (NM_001145358.1); short protein forms R537*.
Identifiers: ClinVar variation 987013 (VCV000987013.4), dbSNP rs757034687, ClinGen allele CA393498727.
Genomic context (GRCh38, chr15:75,400,858, plus strand): 5'-TGGAGCCCAATCGTTTACAAGAAGCATAATCTATCTCCATAGCAATGCCCTCTGTGGCTC[G>A]CTCCTTTGGATAAGTTTCCAGATGTACAGACTCCTTATAGCCCAGAAAGTTTTTAAACCA-3'